The following is an entry in ClinVar:

ClinVar aggregate classification (germline): Uncertain significance. Review status: criteria provided, multiple submitters, no conflicts (2 of 4 stars). 2 submissions from 2 submitters: Uncertain significance (2). Last evaluated 2026-09-12.

Conditions:
COG6-related disorder.
Inborn genetic diseases. Identifiers: MedGen C0950123, MeSH D030342.

Allele frequency attached by ClinVar (database versions not stated): gnomAD exomes 0.00002; gnomAD 0.00003; ExAC 0.00007; TOPMed 0.00011.
gnomAD v4.1: 36 of 1,608,836 alleles (0.0022%); highest among the groups gnomAD compares: East Asian, 0.067%; no homozygotes.

Submissions (2):

PreventionGenetics, part of Exact Sciences
Classification: Uncertain significance for COG6-related condition. Last evaluated: 2026-09-12. Review status: criteria provided, single submitter. Criteria: ACMG Guidelines, 2015. Collection method: clinical testing. Allele origin: germline.
Comment: The COG6 c.443T>C variant is predicted to result in the amino acid substitution p.Ile148Thr. To our knowledge, this variant has not been reported in the literature. This variant is reported in 0.12% of alleles in individuals of East Asian descent in gnomAD. Although we suspect that this variant may be benign, at this time, the clinical significance of this variant is uncertain due to the absence of conclusive functional and genetic evidence.

Ambry Genetics
Classification: Uncertain significance for Inborn genetic diseases. Last evaluated: 2023-02-15. Review status: criteria provided, single submitter. Criteria: Ambry Variant Classification Scheme 2023. Collection method: clinical testing. Allele origin: germline.

NM_020751.3(COG6):c.443T>C (p.Ile148Thr)

Gene: COG6 (component of oligomeric golgi complex 6; plus strand). Cytogenetic location: 13q14.11.
Variant type: single nucleotide variant.
Coding change: c.443T>C on transcript NM_020751.3 (MANE Select); coding-DNA position 443, T replaced by C.
Protein change: p.Ile148Thr; replaces isoleucine 148 with threonine.
Molecular consequence: missense variant. On other transcripts: non-coding transcript variant (1).
Genome position (GRCh38, 1-based): chr13:39,677,482, T>C. VCF-style: chr13-39677482-T-C. GRCh37 (hg19) VCF-style: chr13-40251619-T-C.
Other names: c.443T>C, p.Ile148Thr (NM_001145079.2); short protein forms I148T.
Identifiers: ClinVar variation 2468603 (VCV002468603.3), dbSNP rs751583018, ClinGen allele CA6958332.